The following is an entry in ClinVar:

NM_024598.4(USB1):c.28A>G (p.Ser10Gly)

Genes: USB1 (U6 snRNA biogenesis phosphodiesterase 1; plus strand), LOC112469011 (Sharpr-MPRA regulatory region 3942; plus strand). Cytogenetic location: 16q21.
Variant type: single nucleotide variant.
Coding change: c.28A>G on transcript NM_024598.4 (MANE Select); coding-DNA position 28, A replaced by G.
Protein change: p.Ser10Gly; replaces serine 10 with glycine.
Molecular consequence: missense variant. On other transcripts: intron variant (1).
Genome position (GRCh38, 1-based): chr16:58,001,511, A>G. VCF-style: chr16-58001511-A-G. GRCh37 (hg19) VCF-style: chr16-58035415-A-G.
Other names: c.28A>G, p.Ser10Gly (NM_001195302.2, NM_001204911.2, NM_001330569.2); c.-55-968A>G (NM_001330568.2); c.28A>G (NM_024598.3); short protein forms S10G.
Identifiers: ClinVar variation 1394590 (VCV001394590.6), dbSNP rs2142288653, ClinGen allele CA396085128.
Genomic context (GRCh38, chr16:58,001,511, plus strand): 5'-TGGACCTGCTCTGGTGGTCTTGGATGAGGCCCCATGAGCGCGGCGCCCCTGGTGGGCTAC[A>G]GCAGCAGCGGCTCCGAGGATGAGTCCGAGGACGGGATGCGGACCAGGCCGGGGGATGGGA-3'
Protein context (NP_078874.2, residues 1-20): MSAAPLVGY[Ser10Gly]SSGSEDESED

ClinVar aggregate classification (germline): Uncertain significance. Review status: criteria provided, multiple submitters, no conflicts (2 of 4 stars). 2 submissions from 2 submitters: Uncertain significance (2). Last evaluated 2025-05-31.

Conditions:
Inborn genetic diseases. Identifiers: MedGen C0950123, MeSH D030342.

Allele frequency attached by ClinVar (database versions not stated): gnomAD exomes below 0.00001.
gnomAD v4.1: 1 of 1,607,434 alleles (0.000062%); highest among the groups gnomAD compares: Non-Finnish European, 0.000085%; no homozygotes.

Submissions (2):

Ambry Genetics
Classification: Uncertain significance for Inborn genetic diseases. Last evaluated: 2025-05-31. Review status: criteria provided, single submitter. Criteria: Ambry Variant Classification Scheme 2023. Collection method: clinical testing. Allele origin: germline.
Comment: The p.S10G variant (also known as c.28A>G), located in coding exon 1 of the USB1 gene, results from an A to G substitution at nucleotide position 28. The serine at codon 10 is replaced by glycine, an amino acid with similar properties. This amino acid position is conserved. In addition, this alteration is predicted to be tolerated by in silico analysis. Based on the available evidence, the clinical significance of this variant remains unclear.

Labcorp Genetics (formerly Invitae), Labcorp
Classification: Uncertain significance. Last evaluated: 2021-08-22. Review status: criteria provided, single submitter. Criteria: Invitae Variant Classification Sherloc (09022015). Collection method: clinical testing. Allele origin: germline.
Comment: In summary, the available evidence is currently insufficient to determine the role of this variant in disease. Therefore, it has been classified as a Variant of Uncertain Significance. Algorithms developed to predict the effect of missense changes on protein structure and function are either unavailable or do not agree on the potential impact of this missense change (SIFT: "Not Available"; PolyPhen-2: "Probably Damaging"; Align-GVGD: "Not Available"). This variant has not been reported in the literature in individuals affected with USB1-related conditions. This variant is not present in population databases (ExAC no frequency). This sequence change replaces serine with glycine at codon 10 of the USB1 protein (p.Ser10Gly). The serine residue is highly conserved and there is a small physicochemical difference between serine and glycine.